The following is an entry in ClinVar:

ClinVar aggregate classification (germline): Uncertain significance. Review status: criteria provided, multiple submitters, no conflicts (2 of 4 stars). 4 submissions from 4 submitters: Uncertain significance (2). 2 of the submissions do not count toward it. Last evaluated 2026-07-07.

Conditions:
IFT74-related disorder. Also called: IFT74-Related Disorders; IFT74-related condition.
Short-rib thoracic dysplasia 6 with or without polydactyly (SRTD6). Also called: SHORT-RIB THORACIC DYSPLASIA 6 WITH POLYDACTYLY; SHORT-RIB THORACIC DYSPLASIA 6 WITHOUT POLYDACTYLY; POLYDACTYLY WITH NEONATAL CHONDRODYSTROPHY, TYPE II; Majewski Syndrome; SHORT RIB-POLYDACTYLY SYNDROME, TYPE IIA. Identifiers: MedGen C0024507, MONDO:0009894, OMIM 263520.

Allele frequency attached by ClinVar (database versions not stated): ExAC 0.00026; gnomAD exomes 0.00032 and 0.00081; TOPMed 0.00043; ESP Exome Variant Server 0.00044; gnomAD 0.00046 and 0.00048.

Submissions (5):

PreventionGenetics, part of Exact Sciences
Classification: Uncertain significance for IFT74-related condition. Last evaluated: 2026-07-07. Review status: criteria provided, single submitter. Criteria: ACMG Guidelines, 2015. Collection method: clinical testing. Allele origin: germline.
Comment: The IFT74 c.120+2dupT variant is predicted to result in an intronic duplication. This variant is predicted to impact the consensus donor site splicing based on available splicing prediction programs (SpliceAI, Jaganathan et al. 2019. PubMed ID: 30661751), although it does not eliminate the consensus GT donor site sequence at the junction of exon 2 and intron 2 (GT>GTT). This variant has been identified with another variant in IFT74 in a patient with Bardet-Biedl syndrome, but the phase of the variants was not established (Table S1, Schlottmann et al. 2023. PubMed ID: 37217489), and this variant was also described as a single allele in an individual with obesity/hyperphagia (Table S1, Roberts et al. 2022. PubMed ID: 35562395). This variant has been identified in the heterozygous state in a patient with autosomal recessive short rib-polydactyly syndrome type II; however, that individual also carried pathogenic variants in other genes associated with the disease (Table S3, Zhang et al. 2018. PubMed ID: 29068549). This variant is reported in 0.066% of alleles in individuals of European (non-Finnish) descent in gnomAD. At this time, the clinical significance of this variant is uncertain due to the absence of conclusive functional and genetic evidence.

Labcorp Genetics (formerly Invitae), Labcorp
Classification: Uncertain significance. Last evaluated: 2022-10-05. Review status: criteria provided, single submitter. Criteria: Invitae Variant Classification Sherloc (09022015). Collection method: clinical testing. Allele origin: germline.
Comment: This sequence change falls in intron 2 of the IFT74 gene. It does not directly change the encoded amino acid sequence of the IFT74 protein. It affects a nucleotide within the consensus splice site. This variant is present in population databases (rs551515830, gnomAD 0.07%). This variant has been observed in individual(s) with clinical features of IFT74-related conditions (PMID: 29068549). ClinVar contains an entry for this variant (Variation ID: 446698). Variants that disrupt the consensus splice site are a relatively common cause of aberrant splicing (PMID: 17576681, 9536098). Algorithms developed to predict the effect of sequence changes on RNA splicing suggest that this variant may disrupt the consensus splice site. In summary, the available evidence is currently insufficient to determine the role of this variant in disease. Therefore, it has been classified as a Variant of Uncertain Significance.

Dan Cohn Lab, University Of California Los Angeles
Classification: Uncertain significance for Short-rib thoracic dysplasia 6 with or without polydactyly. Last evaluated: 2017-06-01. Review status: no assertion criteria provided. Collection method: research. Allele origin: unknown. Affected: yes. Not counted in ClinVar's aggregate classification.

Dr. Peter K. Rogan Lab, Western University
No classification provided (evidence only). Condition: Familial pancreatic carcinoma. Review status: no classification provided. Collection method: in vitro. Allele origin: not applicable. Functional consequence: skipped exon, retained intron. Not counted in ClinVar's aggregate classification.

University of Washington Center for Mendelian Genomics, University of Washington
Classification: Likely pathogenic for short-rib polydactyly syndrome type II. Review status: no assertion criteria provided. Collection method: research. Allele origin: inherited. Affected: yes. Not counted in ClinVar's aggregate classification.

Literature cited by the submitters: PubMed 29068549 (cited by 3 submitters); PubMed 17576681 (cited by Labcorp Genetics (formerly Invitae), Labcorp); PubMed 9536098 (cited by Labcorp Genetics (formerly Invitae), Labcorp).

NM_025103.4(IFT74):c.120+2dup

Gene: IFT74 (intraflagellar transport 74; plus strand). Cytogenetic location: 9p21.2.
Variant type: Duplication.
Coding change: c.120+2dup on transcript NM_025103.4 (MANE Select); the canonical splice donor site of the intron after coding-DNA position 120, one base duplicated (T; older notation c.120+2dupT).
Molecular consequence: splice donor variant.
Genome position (GRCh38, 1-based): chr9:26,962,089, T duplicated. VCF-style (leftmost placement, unchanged base first): chr9-26962088-G-GT. GRCh37 (hg19) VCF-style: chr9-26962086-G-GT.
Other names: NC_000009.11:g.26962087dup; c.120+2dup (NM_001099223.3, NM_001099222.3, NM_001349928.2 and 1 more transcripts); c.120+2dupT (NM_025103.2).
Identifiers: ClinVar variation 446698 (VCV000446698.10), dbSNP rs551515830, ClinGen allele CA5014803.